The following is an entry in ClinVar:

NM_001367624.2(ZNF469):c.5402del (p.Val1801fs)

Gene: ZNF469 (zinc finger protein 469; plus strand). Cytogenetic location: 16q24.2.
Variant type: Deletion.
Coding change: c.5402del on transcript NM_001367624.2 (MANE Select); coding-DNA position 5402, one base deleted (T; older notation c.5402delT).
Protein change: p.Val1801fs; shifts the reading frame from valine 1801.
Molecular consequence: frameshift variant.
Genome position (GRCh38, 1-based): chr16:88,432,872, T deleted. VCF-style (leftmost placement, unchanged base first): chr16-88432871-GT-G. GRCh37 (hg19) VCF-style: chr16-88499279-GT-G.
Other names: c.5402delT (NM_001367624.2); short protein forms V1801fs.
Identifiers: ClinVar variation 2429180 (VCV002429180.3), dbSNP rs2507590403, ClinGen allele CA2580092239.

ClinVar aggregate classification (germline): Likely pathogenic (1 of 4 stars; one submission).

Conditions:
Brittle cornea syndrome 1 (BCS1). Also called: FRAGILITAS OCULI WITH JOINT HYPEREXTENSIBILITY; CORNEAL FRAGILITY, KERATOGLOBUS, BLUE SCLERAE, JOINT HYPEREXTENSIBILITY; EDS6B; Corneal fragility keratoglobus, blue sclerae AND joint hypermobility; DYSGENESIS MESODERMALIS CORNEAE ET SCLERAE. Identifiers: Orphanet 90354, MedGen C0268344, MONDO:0024543, OMIM 229200.

Submission:

Women's Health and Genetics/Laboratory Corporation of America, LabCorp
Classification: Likely pathogenic for Brittle cornea syndrome 1. Last evaluated: 2023-01-24. Review status: criteria provided, single submitter. Criteria: LabCorp Variant Classification Summary - May 2015. Collection method: clinical testing. Allele origin: germline.
Comment: Variant summary: ZNF469 c.5402delT (p.Val1801AlafsX65) results in a premature termination codon located at the 3' terminus, predicted to cause a truncation of the encoded protein or absence of the protein due to nonsense mediated decay, which are commonly known mechanisms for disease. The variant disrupts >2000 amino acids of the protein. Truncations downstream of this position have been reported in association with Brittle cornea syndrome in HGMD and classified as pathogenic in ClinVar. The variant was absent in 152922 control chromosomes. To our knowledge, no occurrence of c.5402delT in individuals affected with Brittle Cornea Syndrome 1 and no experimental evidence demonstrating its impact on protein function have been reported. No clinical diagnostic laboratories have submitted clinical-significance assessments for this variant to ClinVar after 2014. Based on the evidence outlined above, the variant was classified as likely pathogenic.